The following is an entry in ClinVar:

NM_005499.3(UBA2):c.460-2A>G

Gene: UBA2 (ubiquitin like modifier activating enzyme 2; plus strand). Cytogenetic location: 19q13.11.
Variant type: single nucleotide variant.
Coding change: c.460-2A>G on transcript NM_005499.3 (MANE Select); the canonical splice acceptor site of the intron before coding-DNA position 460, A replaced by G.
Molecular consequence: splice acceptor variant.
Genome position (GRCh38, 1-based): chr19:34,438,643, A>G. VCF-style: chr19-34438643-A-G. GRCh37 (hg19) VCF-style: chr19-34929548-A-G.
Other names: c.172-2A>G (NM_001411139.1).
Identifiers: ClinVar variation 3064270 (VCV003064270.2), dbSNP rs2513935979, ClinGen allele CA405254563.

ClinVar aggregate classification (germline): Pathogenic (1 of 4 stars; one submission).

Conditions:
ACCES syndrome (ACCES). Also called: APLASIA CUTIS CONGENITA WITH ECTRODACTYLY SKELETAL SYNDROME. Identifiers: MedGen C5677019, MONDO:0859262, OMIM 619959.

Submission:

Medical Genetics Laboratory, Etlik City Hospital
Classification: Pathogenic for ACCES syndrome. Last evaluated: 2024-03-25. Review status: criteria provided, single submitter. Criteria: ACMG Guidelines, 2015. Collection method: clinical testing. Allele origin: paternal. Inheritance: Autosomal dominant inheritance. Affected: yes. Observed: 1 heterozygote.
Comment: This variant has not been previously documented in the medical literature or major variant databases such as ClinVar or LOVD, and it is absent in population data from GnomAD. Located at the canonical acceptor splice site, precisely at the junction of intron 5 and exon 6 in the NM_005499.2 transcript, which comprises a total of 17 exons, it is anticipated that this variant will affect the splicing process. According to the American College of Medical Genetics and Genomics and the Association for Molecular Pathology guidelines, the c.460-2A>G variant is classified as pathogenic (Richards et al., 2015). The WES analysis did not identify any additional variants classified as pathogenic or likely pathogenic. Consequently, the identified variant was interpreted as clinically relevant within the spectrum of UBA2-related conditions.